The following is an entry in ClinVar:

ClinVar aggregate classification (germline): Uncertain significance (1 of 4 stars; one submission).

Submission:

GeneDx
Classification: Uncertain significance. Last evaluated: 2021-04-13. Review status: criteria provided, single submitter. Criteria: GeneDx Variant Classification Process June 2021. Collection method: clinical testing. Allele origin: germline. Affected: yes.
Comment: Not observed in large population cohorts (Lek et al., 2016); In silico analysis supports that this missense variant does not alter protein structure/function; Has not been previously published as pathogenic or benign to our knowledge

NM_006267.5(RANBP2):c.611A>G (p.Asn204Ser)

Gene: RANBP2 (RAN binding protein 2; plus strand). Cytogenetic location: 2q13.
Variant type: single nucleotide variant.
Coding change: c.611A>G on transcript NM_006267.5 (MANE Select); coding-DNA position 611, A replaced by G.
Protein change: p.Asn204Ser; replaces asparagine 204 with serine.
Molecular consequence: missense variant.
Genome position (GRCh38, 1-based): chr2:108,735,737, A>G. VCF-style: chr2-108735737-A-G. GRCh37 (hg19) VCF-style: chr2-109352193-A-G.
Other names: short protein forms N204S.
Identifiers: ClinVar variation 1314397 (VCV001314397.2), dbSNP rs2149128791, ClinGen allele CA348041024.